The following is an entry in ClinVar:

ClinVar aggregate classification (germline): Uncertain significance (1 of 4 stars; one submission).

Submission:

GeneDx
Classification: Uncertain significance. Last evaluated: 2024-12-10. Review status: criteria provided, single submitter. Criteria: GeneDx Variant Classification Process June 2021. Collection method: clinical testing. Allele origin: germline. Affected: yes.
Comment: Not observed at significant frequency in large population cohorts (gnomAD); In silico analysis supports that this missense variant has a deleterious effect on protein structure/function; Has not been previously published as pathogenic or benign to our knowledge

NM_001005273.3(CHD3):c.3358G>T (p.Asp1120Tyr)

Gene: CHD3 (chromodomain helicase DNA binding protein 3; plus strand). Cytogenetic location: 17p13.1.
Variant type: single nucleotide variant.
Coding change: c.3358G>T on transcript NM_001005273.3 (MANE Select); coding-DNA position 3358, G replaced by T.
Protein change: p.Asp1120Tyr; replaces aspartic acid 1120 with tyrosine.
Molecular consequence: missense variant.
Genome position (GRCh38, 1-based): chr17:7,902,715, G>T. VCF-style: chr17-7902715-G-T. GRCh37 (hg19) VCF-style: chr17-7806033-G-T.
Other names: c.3535G>T, p.Asp1179Tyr (NM_001005271.3); c.3358G>T, p.Asp1120Tyr (NM_005852.4); short protein forms D1120Y, D1179Y.
Identifiers: ClinVar variation 3902931 (VCV003902931.1).